The following is an entry in ClinVar:

ClinVar aggregate classification (germline): Uncertain significance. Review status: criteria provided, multiple submitters, no conflicts (2 of 4 stars). 3 submissions from 3 submitters: Uncertain significance (2). 1 of the submissions does not count toward it. Last evaluated 2022-10-13.

Conditions:
Infantile cerebellar-retinal degeneration (ICRD). Identifiers: Orphanet 313850, MedGen C3281192, MONDO:0013802, OMIM 614559.

Allele frequency attached by ClinVar (database versions not stated): TOPMed 0.00006.
gnomAD v4.1: 3 of 1,613,996 alleles (0.00019%); highest among the groups gnomAD compares: African/African-American, 0.004%; no homozygotes.

Submissions (3):

Labcorp Genetics (formerly Invitae), Labcorp
Classification: Uncertain significance. Last evaluated: 2022-10-13. Review status: criteria provided, single submitter. Criteria: Invitae Variant Classification Sherloc (09022015). Collection method: clinical testing. Allele origin: germline.
Comment: This sequence change replaces glycine, which is neutral and non-polar, with aspartic acid, which is acidic and polar, at codon 240 of the ACO2 protein (p.Gly240Asp). In summary, the available evidence is currently insufficient to determine the role of this variant in disease. Therefore, it has been classified as a Variant of Uncertain Significance. Advanced modeling of protein sequence and biophysical properties (such as structural, functional, and spatial information, amino acid conservation, physicochemical variation, residue mobility, and thermodynamic stability) performed at Invitae indicates that this missense variant is not expected to disrupt ACO2 protein function. ClinVar contains an entry for this variant (Variation ID: 424533). This missense change has been observed in individual(s) with clinical features of autosomal recessive infantile cerebellar-retinal degeneration (PMID: 32519519). In at least one individual the data is consistent with being in trans (on the opposite chromosome) from a pathogenic variant. This variant is present in population databases (rs141878785, gnomAD 0.01%).

GeneDx
Classification: Uncertain significance. Last evaluated: 2017-03-23. Review status: criteria provided, single submitter. Criteria: GeneDx Variant Classification (06012015). Collection method: clinical testing. Allele origin: germline. Affected: yes.
Comment: The G240D variant in the ACO2 gene has not been reported previously as a pathogenic variant, nor as a benign variant, to our knowledge. The G240D variant is not observed at a significant frequency in large population cohorts (Lek et al., 2016; 1000 Genomes Consortium et al., 2015; Exome Variant Server). The G240D variant is a non-conservative amino acid substitution, which is likely to impact secondary protein structure as these residues differ in polarity, charge, size and/or other properties. This substitution occurs at a position that is conserved across species. In silico analysis predicts this variant is probably damaging to the protein structure/function. We interpret G240D as a variant of uncertain significance.

OMIM
Classification: Pathogenic for INFANTILE CEREBELLAR-RETINAL DEGENERATION. Last evaluated: 2020-09-16. Review status: no assertion criteria provided. Collection method: literature only. Allele origin: germline. Not counted in ClinVar's aggregate classification.

Literature cited by the submitters: PubMed 32519519 (cited by Labcorp Genetics (formerly Invitae), Labcorp and OMIM).

NM_001098.3(ACO2):c.719G>A (p.Gly240Asp)

Gene: ACO2 (aconitase 2; plus strand). Cytogenetic location: 22q13.2.
Variant type: single nucleotide variant.
Coding change: c.719G>A on transcript NM_001098.3 (MANE Select); coding-DNA position 719, G replaced by A.
Protein change: p.Gly240Asp; replaces glycine 240 with aspartic acid.
Molecular consequence: missense variant.
Genome position (GRCh38, 1-based): chr22:41,515,801, G>A. VCF-style: chr22-41515801-G-A. GRCh37 (hg19) VCF-style: chr22-41911805-G-A.
Other names: short protein forms G240D.
Identifiers: ClinVar variation 424533 (VCV000424533.7), dbSNP rs141878785, ClinGen allele CA10257437.